The following is an entry in ClinVar:

NM_015178.3(RHOBTB2):c.286G>C (p.Ala96Pro)

Gene: RHOBTB2 (Rho related BTB domain containing 2; plus strand). Cytogenetic location: 8p21.3.
Variant type: single nucleotide variant.
Coding change: c.286G>C on transcript NM_015178.3 (MANE Select); coding-DNA position 286, G replaced by C.
Protein change: p.Ala96Pro; replaces alanine 96 with proline.
Molecular consequence: missense variant.
Genome position (GRCh38, 1-based): chr8:23,005,465, G>C. VCF-style: chr8-23005465-G-C. GRCh37 (hg19) VCF-style: chr8-22862978-G-C.
Other names: c.352G>C, p.Ala118Pro (NM_001160036.2); c.307G>C, p.Ala103Pro (NM_001160037.2); c.286G>C, p.Ala96Pro (NM_001374791.1); short protein forms A103P, A118P, A96P.
Identifiers: ClinVar variation 4076923 (VCV004076923.1).

ClinVar aggregate classification (germline): Uncertain significance (1 of 4 stars; one submission).

Submission:

GeneDx
Classification: Uncertain significance. Last evaluated: 2025-02-25. Review status: criteria provided, single submitter. Criteria: GeneDx Variant Classification Process June 2021. Collection method: clinical testing. Allele origin: germline. Affected: yes.
Comment: Not observed at significant frequency in large population cohorts (gnomAD); In silico analysis supports that this missense variant has a deleterious effect on protein structure/function; Has not been previously published as pathogenic or benign to our knowledge